The following is an entry in ClinVar:

NM_001844.5(COL2A1):c.2901C>T (p.Ala967=)

Gene: COL2A1 (collagen type II alpha 1 chain; minus strand). Cytogenetic location: 12q13.11.
Variant type: single nucleotide variant.
Coding change: c.2901C>T on transcript NM_001844.5 (MANE Select); coding-DNA position 2901, C replaced by T.
Protein change: p.Ala967=; no amino-acid change (alanine 967 retained).
Molecular consequence: synonymous variant.
Genome position (GRCh38, 1-based): chr12:47,978,393, G>A on the plus strand (C>T on the coding strand, the complement: COL2A1 is on the minus strand). VCF-style: chr12-47978393-G-A. GRCh37 (hg19) VCF-style: chr12-48372176-G-A.
Other names: c.2694C>T, p.Ala898= (NM_033150.3).
Identifiers: ClinVar variation 1134122 (VCV001134122.14), dbSNP rs148449532, ClinGen allele CA6534950.
Genomic context (GRCh38, chr12:47,978,393, plus strand): 5'-CCCAGGCAGACCGACGATGCCTCTCTGACCAGCCAGACCCTGGGGACCTGGTGGACCTTC[G>A]GCACCCTGAGAGAGGAGAGGCAGGAGATGAGAACTGACAGTGGCCCAGCCTCTTCTGTCC-3'
Protein context (NP_001835.3, residues 957-977): GEPGDDGPSG[Ala967=]EGPPGPQGLA

ClinVar aggregate classification (germline): Likely benign. Review status: criteria provided, multiple submitters, no conflicts (2 of 4 stars). 4 submissions from 4 submitters: Likely benign (4). Last evaluated 2025-12-11.

Conditions:
COL2A1-related disorder. Also called: COL2A1-related condition; COL2A1-related disorders.

Allele frequency attached by ClinVar (database versions not stated): ESP Exome Variant Server 0.00015; gnomAD 0.00016 and 0.00019.
gnomAD v4.1: 41 of 1,613,724 alleles (0.0025%); highest among the groups gnomAD compares: African/African-American, 0.044%; no homozygotes.

Submissions (4):

Labcorp Genetics (formerly Invitae), Labcorp
Classification: Likely benign. Last evaluated: 2025-12-11. Review status: criteria provided, single submitter. Criteria: Invitae Variant Classification Sherloc (09022015). Collection method: clinical testing. Allele origin: germline.

PreventionGenetics, part of Exact Sciences
Classification: Likely benign for COL2A1-related condition. Last evaluated: 2025-08-28. Review status: criteria provided, single submitter. Criteria: ACMG Guidelines, 2015. Collection method: clinical testing. Allele origin: germline.
Comment: This variant is classified as likely benign based on ACMG/AMP sequence variant interpretation guidelines (Richards et al. 2015 PMID: 25741868, with internal and published modifications).

Blueprint Genetics
Classification: Likely benign. Last evaluated: 2024-09-10. Review status: criteria provided, single submitter. Criteria: ACMG Guidelines, 2015. Collection method: clinical testing. Allele origin: germline.

GeneDx
Classification: Likely benign. Last evaluated: 2019-07-22. Review status: criteria provided, single submitter. Criteria: GeneDx Variant Classification Process June 2021. Collection method: clinical testing. Allele origin: germline. Affected: yes.